The following is an entry in ClinVar:

NM_015557.3(CHD5):c.578G>A (p.Arg193Gln)

Gene: CHD5 (chromodomain helicase DNA binding protein 5; minus strand). Cytogenetic location: 1p36.31.
Variant type: single nucleotide variant.
Coding change: c.578G>A on transcript NM_015557.3 (MANE Select); coding-DNA position 578, G replaced by A.
Protein change: p.Arg193Gln; replaces arginine 193 with glutamine.
Molecular consequence: missense variant.
Genome position (GRCh38, 1-based): chr1:6,154,827, C>T on the plus strand (G>A on the coding strand, the complement: CHD5 is on the minus strand). VCF-style: chr1-6154827-C-T. GRCh37 (hg19) VCF-style: chr1-6214887-C-T.
Other names: c.578G>A (NM_015557.2); short protein forms R193Q.
Identifiers: ClinVar variation 995775 (VCV000995775.7), dbSNP rs1667056923, ClinGen allele CA338088781.
Genomic context (GRCh38, chr1:6,154,827, plus strand): 5'-ACCGCCGCCGCCGCTGCTGCCGCGGAGCTGCCCTTGAAGGGGTTGTTGGCGCTGAACTCC[C>T]GCCACTTGGCACCCAGGACGGTCATCATTTTGGACATGGGGATCTTCGGGTTCTTCTTGG-3'
Protein context (NP_056372.1, residues 183-203): KMMTVLGAKW[Arg193Gln]EFSANNPFKG

ClinVar aggregate classification (germline): Conflicting classifications of pathogenicity. Review status: criteria provided, conflicting classifications (1 of 4 stars). 4 submissions from 4 submitters: Likely pathogenic (1); Uncertain significance (2). 1 of the submissions does not count toward it. Last evaluated 2026-01-14.

Conditions:
Global developmental delay (DD). Also called: Cognitive delay. Identifiers: MedGen C0557874, HP:0001263. Disease mechanism: loss of function.
Intellectual disability. Also called: Intellectual functioning disability; intellectual disabilities; Intellectual developmental disorder. Identifiers: MedGen C3714756, MeSH D008607, MONDO:0001071, HP:0001249.
Parenti-mignot neurodevelopmental syndrome. Identifiers: MedGen C5676984, MONDO:0859249, OMIM 619873.

Allele frequency attached by ClinVar (database versions not stated): gnomAD exomes below 0.00001; TOPMed 0.00001.
gnomAD v4.1: 5 of 1,614,036 alleles (0.00031%); highest among the groups gnomAD compares: Non-Finnish European, 0.00042%; no homozygotes.

Submissions (4):

GeneDx
Classification: Uncertain significance. Last evaluated: 2026-01-14. Review status: criteria provided, single submitter. Criteria: GeneDx Variant Classification Process June 2021. Collection method: clinical testing. Allele origin: germline.
Comment: Not observed at significant frequency in large population cohorts (gnomAD); In silico analysis supports that this missense variant has a deleterious effect on protein structure/function; This variant is associated with the following publications: (PMID: 33944996)

Dasa
Classification: Uncertain significance. Last evaluated: 2024-11-20. Review status: criteria provided, single submitter. Criteria: DASA Assertion Criteria. Collection method: clinical testing. Allele origin: germline.
Comment: NM_015557.3(CHD5):c.578G>A (p.Arg193Gln) is a missense variant that results in the substitution of arginine with glutamine. This variant has been reported in individuals with CHD5-related disorders (PMID: 33944996). This variant has been reported as a de novo occurrence in an affected individual (PMID: 33944996). Also, this variant is rare in population databases. Computational prediction algorithms are consistent with a deleterious effect. The currently available literature and clinical evidence are not sufficient to establish a definitive association between this variant and the reported condition. Therefore, this variant is classified as a variant of uncertain significance.

Institute for Human Genetics, University Hospital Essen
Classification: Likely pathogenic for Global developmental delay; Intellectual disability. Last evaluated: 2021-01-18. Review status: criteria provided, single submitter. Criteria: ACMG Guidelines, 2015. Collection method: research. Allele origin: de novo. Affected: yes.

OMIM
Classification: Pathogenic for PARENTI-MIGNOT NEURODEVELOPMENTAL SYNDROME. Last evaluated: 2022-05-07. Review status: no assertion criteria provided. Collection method: literature only. Allele origin: germline. Not counted in ClinVar's aggregate classification.

Literature cited by the submitters: PubMed 33944996 (cited by 3 submitters).